The following is an entry in ClinVar:

NM_033305.3(VPS13A):c.3827A>G (p.Asn1276Ser)

Gene: VPS13A (vacuolar protein sorting 13 homolog A; plus strand). Cytogenetic location: 9q21.2.
Variant type: single nucleotide variant.
Coding change: c.3827A>G on transcript NM_033305.3 (MANE Select); coding-DNA position 3827, A replaced by G.
Protein change: p.Asn1276Ser; replaces asparagine 1276 with serine.
Molecular consequence: missense variant.
Genome position (GRCh38, 1-based): chr9:77,302,929, A>G. VCF-style: chr9-77302929-A-G. GRCh37 (hg19) VCF-style: chr9-79917845-A-G.
Other names: c.3710A>G, p.Asn1237Ser (NM_001018037.2); c.3827A>G, p.Asn1276Ser (NM_001018038.3, NM_015186.4); short protein forms N1237S, N1276S.
Identifiers: ClinVar variation 2075677 (VCV002075677.1), dbSNP rs148807565, ClinGen allele CA5092356.

ClinVar aggregate classification (germline): Uncertain significance (1 of 4 stars; one submission).

Allele frequency attached by ClinVar (database versions not stated): ExAC 0.00001; gnomAD 0.00001; gnomAD exomes 0.00001; TOPMed 0.00002; ESP Exome Variant Server 0.00008.
gnomAD v4.1: 12 of 1,613,530 alleles (0.00074%); highest among the groups gnomAD compares: Middle Eastern, 0.016%; no homozygotes.

Submission:

Labcorp Genetics (formerly Invitae), Labcorp
Classification: Uncertain significance. Last evaluated: 2022-04-16. Review status: criteria provided, single submitter. Criteria: Invitae Variant Classification Sherloc (09022015). Collection method: clinical testing. Allele origin: germline.
Comment: This sequence change replaces asparagine, which is neutral and polar, with serine, which is neutral and polar, at codon 1276 of the VPS13A protein (p.Asn1276Ser). This variant is present in population databases (rs148807565, gnomAD 0.008%). This variant has not been reported in the literature in individuals affected with VPS13A-related conditions. Algorithms developed to predict the effect of missense changes on protein structure and function (SIFT, PolyPhen-2, Align-GVGD) all suggest that this variant is likely to be tolerated. Algorithms developed to predict the effect of sequence changes on RNA splicing suggest that this variant may create or strengthen a splice site. In summary, the available evidence is currently insufficient to determine the role of this variant in disease. Therefore, it has been classified as a Variant of Uncertain Significance.